The following is an entry in ClinVar:

ClinVar aggregate classification (germline): Benign/Likely benign. Review status: criteria provided, multiple submitters, no conflicts (2 of 4 stars). 8 submissions from 8 submitters: Benign (4); Likely benign (1). 3 of the submissions do not count toward it. Last evaluated 2025-12-29.

Conditions:
UBA1-related disorder. Also called: UBA1-related condition.
VEXAS syndrome. Identifiers: Orphanet 596753, MedGen C5435753, MONDO:0026777, OMIM 301054.
Infantile-onset X-linked spinal muscular atrophy. Also called: Spinal muscular atrophy, X-linked 2; AMC, DISTAL, X-LINKED; ARTHROGRYPOSIS, X-LINKED, TYPE I; SPINAL MUSCULAR ATROPHY, X-LINKED LETHAL INFANTILE; Spinal Muscular Atrophy, X-Linked Infantile. Identifiers: Orphanet 1145, MedGen C1844934, MONDO:0010532, OMIM 301830.

Allele frequency attached by ClinVar (database versions not stated): ESP Exome Variant Server 0.00151; gnomAD 0.00347 and 0.00410; TOPMed 0.00466; gnomAD exomes 0.00782; 1000 Genomes Project 30x 0.01061; ExAC 0.01072; 1000 Genomes Project 0.01219.
gnomAD v4.1: 4,228 of 1,203,705 alleles (0.35%); highest among the groups gnomAD compares: East Asian, 6.2%; 55 homozygotes.

Submissions (13):

Labcorp Genetics (formerly Invitae), Labcorp
Classification: Benign for Infantile-onset X-linked spinal muscular atrophy. Last evaluated: 2025-12-29. Review status: criteria provided, single submitter. Criteria: Invitae Variant Classification Sherloc (09022015). Collection method: clinical testing. Allele origin: germline.

Mayo Clinic Laboratories, Mayo Clinic
Classification: Benign. Last evaluated: 2024-02-02. Review status: criteria provided, single submitter. Criteria: ACMG Guidelines, 2015. Collection method: clinical testing. Allele origin: germline. Observed: 5 variant alleles.

Fulgent Genetics
Classification: Likely benign for VEXAS syndrome; Infantile-onset X-linked spinal muscular atrophy. Last evaluated: 2022-03-30. Review status: criteria provided, single submitter. Criteria: ACMG Guidelines, 2015. Collection method: clinical testing. Allele origin: unknown.

Illumina Laboratory Services, Illumina
Classification: Benign for Infantile-onset X-linked spinal muscular atrophy. Last evaluated: 2018-01-13. Review status: criteria provided, single submitter. Criteria: ICSL Variant Classification Criteria 13 December 2019. Collection method: clinical testing. Allele origin: germline.
Comment: This variant was observed in the ICSL laboratory as part of a predisposition screen in an ostensibly healthy population. It had not been previously curated by ICSL or reported in the Human Gene Mutation Database (HGMD: prior to June 1st, 2018), and was therefore a candidate for classification through an automated scoring system. Utilizing variant allele frequency, disease prevalence and penetrance estimates, and inheritance mode, an automated score was calculated to assess if this variant is too frequent to cause the disease. Based on the score and internal cut-off values, a variant classified as benign is not then subjected to further curation. The score for this variant resulted in a classification of benign for this disease.

GeneDx
Classification: Benign. Last evaluated: 2017-04-10. Review status: criteria provided, single submitter. Criteria: GeneDx Variant Classification (06012015). Collection method: clinical testing. Allele origin: germline. Affected: yes.
Comment: This variant is considered likely benign or benign based on one or more of the following criteria: it is a conservative change, it occurs at a poorly conserved position in the protein, it is predicted to be benign by multiple in silico algorithms, and/or has population frequency not consistent with disease.

PreventionGenetics, part of Exact Sciences
Classification: Benign for UBA1-related condition. Last evaluated: 2019-03-10. Review status: no assertion criteria provided. Collection method: clinical testing. Allele origin: germline. Not counted in ClinVar's aggregate classification.
Comment: This variant is classified as benign based on ACMG/AMP sequence variant interpretation guidelines (Richards et al. 2015 PMID: 25741868, with internal and published modifications).

Clinical Genetics, Academic Medical Center
Classification: Benign. Review status: no assertion criteria provided. Collection method: clinical testing. Allele origin: germline. Affected: yes. Study: VKGL Data-share Consensus. Not counted in ClinVar's aggregate classification.

Dr. Peter K. Rogan Lab, Western University
No classification provided (evidence only). Condition: Malignant tumor of urinary bladder. Review status: no classification provided. Collection method: in vitro. Allele origin: not applicable. Functional consequence: retained intron. Not counted in ClinVar's aggregate classification.

Dr. Peter K. Rogan Lab, Western University
No classification provided (evidence only). Condition: Malignant tumor of urinary bladder. Review status: no classification provided. Collection method: in vitro. Allele origin: not applicable. Functional consequence: retained intron. Not counted in ClinVar's aggregate classification.

Dr. Peter K. Rogan Lab, Western University
No classification provided (evidence only). Condition: Malignant tumor of urinary bladder. Review status: no classification provided. Collection method: in vitro. Allele origin: not applicable. Functional consequence: retained intron. Not counted in ClinVar's aggregate classification.

Dr. Peter K. Rogan Lab, Western University
No classification provided (evidence only). Condition: Malignant tumor of urinary bladder. Review status: no classification provided. Collection method: in vitro. Allele origin: not applicable. Functional consequence: retained intron. Not counted in ClinVar's aggregate classification.

Dr. Peter K. Rogan Lab, Western University
No classification provided (evidence only). Condition: Malignant tumor of urinary bladder. Review status: no classification provided. Collection method: in vitro. Allele origin: not applicable. Functional consequence: retained intron. Not counted in ClinVar's aggregate classification.

Laboratory of Diagnostic Genome Analysis, Leiden University Medical Center (LUMC)
Classification: Likely benign. Review status: no assertion criteria provided. Collection method: clinical testing. Allele origin: germline. Affected: yes. Study: VKGL Data-share Consensus. Not counted in ClinVar's aggregate classification.

NM_003334.4(UBA1):c.1702C>G (p.Leu568Val)

Gene: UBA1 (ubiquitin like modifier activating enzyme 1; plus strand). Cytogenetic location: Xp11.3.
Variant type: single nucleotide variant.
Coding change: c.1702C>G on transcript NM_003334.4 (MANE Select); coding-DNA position 1702, C replaced by G.
Protein change: p.Leu568Val; replaces leucine 568 with valine.
Molecular consequence: missense variant.
Genome position (GRCh38, 1-based): chrX:47,206,074, C>G. VCF-style: chrX-47206074-C-G. GRCh37 (hg19) VCF-style: chrX-47065473-C-G.
Other names: p.Leu568Val; c.1702C>G, p.Leu568Val (NM_153280.3); short protein forms L568V.
Identifiers: ClinVar variation 368339 (VCV000368339.22), dbSNP rs150574055, ClinGen allele CA10395982.